The following is an entry in ClinVar:

NM_018249.6(CDK5RAP2):c.4295A>G (p.Gln1432Arg)

Gene: CDK5RAP2 (CDK5 regulatory subunit associated protein 2; minus strand). Cytogenetic location: 9q33.2.
Variant type: single nucleotide variant.
Coding change: c.4295A>G on transcript NM_018249.6 (MANE Select); coding-DNA position 4295, A replaced by G.
Protein change: p.Gln1432Arg; replaces glutamine 1432 with arginine.
Molecular consequence: missense variant. On other transcripts: non-coding transcript variant (5).
Genome position (GRCh38, 1-based): chr9:120,415,042, T>C on the plus strand (A>G on the coding strand, the complement: CDK5RAP2 is on the minus strand). VCF-style: chr9-120415042-T-C. GRCh37 (hg19) VCF-style: chr9-123177320-T-C.
Other names: c.4295A>G, p.Gln1432Arg (NM_001011649.3); c.3605A>G, p.Gln1202Arg (NM_001272039.2); c.4196A>G, p.Gln1399Arg (NM_001410992.1); c.4199A>G, p.Gln1400Arg (NM_001410993.1); c.4292A>G, p.Gln1431Arg (NM_001410994.1); short protein forms Q1202R, Q1399R, Q1431R, Q1432R, Q1400R.
Identifiers: ClinVar variation 2199919 (VCV002199919.2), dbSNP rs999893597, ClinGen allele CA199302276.

ClinVar aggregate classification (germline): Uncertain significance (1 of 4 stars; one submission).

Allele frequency attached by ClinVar (database versions not stated): gnomAD exomes 0.00001; gnomAD 0.00004; TOPMed 0.00014.
gnomAD v4.1: 13 of 1,614,046 alleles (0.00081%); highest among the groups gnomAD compares: Admixed American, 0.017%; no homozygotes.

Submission:

Labcorp Genetics (formerly Invitae), Labcorp
Classification: Uncertain significance. Last evaluated: 2025-11-17. Review status: criteria provided, single submitter. Criteria: Invitae Variant Classification Sherloc (09022015). Collection method: clinical testing. Allele origin: germline.
Comment: This sequence change replaces glutamine, which is neutral and polar, with arginine, which is basic and polar, at codon 1432 of the CDK5RAP2 protein (p.Gln1432Arg). This variant is present in population databases (no rsID available, gnomAD 0.003%). This variant has not been reported in the literature in individuals affected with CDK5RAP2-related conditions. ClinVar contains an entry for this variant (Variation ID: 2199919). An algorithm developed to predict the effect of missense changes on protein structure and function (PolyPhen-2) suggests that this variant is likely to be disruptive. In summary, the available evidence is currently insufficient to determine the role of this variant in disease. Therefore, it has been classified as a Variant of Uncertain Significance.